The following is an entry in ClinVar:

NM_014000.3(VCL):c.3258+5G>A

Gene: VCL (vinculin; plus strand). Cytogenetic location: 10q22.2.
Variant type: single nucleotide variant.
Coding change: c.3258+5G>A on transcript NM_014000.3 (MANE Select); 5 bases into the intron after coding-DNA position 3258, G replaced by A.
Molecular consequence: intron variant.
Genome position (GRCh38, 1-based): chr10:74,114,904, G>A. VCF-style: chr10-74114904-G-A. GRCh37 (hg19) VCF-style: chr10-75874662-G-A.
Other names: c.3054+5G>A (NM_003373.4).
Identifiers: ClinVar variation 864023 (VCV000864023.6), dbSNP rs754978708, ClinGen allele CA5563436.
Genomic context (GRCh38, chr10:74,114,904, plus strand): 5'-CAGTGAAGGCCACCATGCTGGGCCGGACCAACATCAGTGATGAGGAGTCTGAGCAGGTAT[G>A]TGGCAGCTGTTTTTGGTTTCTGGCTGGCAGCTTCTGTGCCGTTTTGCAGTAATTTAACTC-3'

ClinVar aggregate classification (germline): Uncertain significance (1 of 4 stars; one submission).

Conditions:
Dilated cardiomyopathy 1W (CMD1W). Identifiers: Orphanet 154, MedGen C1969639, MONDO:0012667, OMIM 611407.

Allele frequency attached by ClinVar (database versions not stated): gnomAD exomes 0.00001 and 0.00003; ExAC 0.00002; TOPMed 0.00002.
gnomAD v4.1: 5 of 1,581,584 alleles (0.00032%); highest among the groups gnomAD compares: Admixed American, 0.0092%; no homozygotes.

Submission:

Labcorp Genetics (formerly Invitae), Labcorp
Classification: Uncertain significance for Dilated cardiomyopathy 1W. Last evaluated: 2024-09-02. Review status: criteria provided, single submitter. Criteria: Invitae Variant Classification Sherloc (09022015). Collection method: clinical testing. Allele origin: germline.
Comment: This sequence change falls in intron 21 of the VCL gene. It does not directly change the encoded amino acid sequence of the VCL protein. It affects a nucleotide within the consensus splice site. This variant is present in population databases (rs754978708, gnomAD 0.02%). This variant has not been reported in the literature in individuals affected with VCL-related conditions. ClinVar contains an entry for this variant (Variation ID: 864023). Variants that disrupt the consensus splice site are a relatively common cause of aberrant splicing (PMID: 17576681, 9536098). Algorithms developed to predict the effect of sequence changes on RNA splicing suggest that this variant is not likely to affect RNA splicing. In summary, the available evidence is currently insufficient to determine the role of this variant in disease. Therefore, it has been classified as a Variant of Uncertain Significance.

Literature cited by the submitters: PubMed 17576681; PubMed 9536098.